The following is an entry in ClinVar:

ClinVar aggregate classification (germline): Uncertain significance (1 of 4 stars; one submission).

Conditions:
Cardiomyopathy (CMYO). Also called: Cardiomyopathies. Identifiers: Orphanet 167848, MedGen C0878544, MONDO:0004994, HP:0001638. Inheritance: Various modes of inheritance.

gnomAD v4.1: 7 of 1,603,068 alleles (0.00044%); highest among the groups gnomAD compares: Non-Finnish European, 0.00059%; no homozygotes.

Submission:

Color Diagnostics, LLC DBA Color Health
Classification: Uncertain significance for Cardiomyopathy. Last evaluated: 2024-08-26. Review status: criteria provided, single submitter. Criteria: ACMG Guidelines, 2015. Collection method: clinical testing. Allele origin: germline.
Comment: This missense variant replaces isoleucine with serine at codon 19 of the TNNI3 protein. Computational prediction suggests that this variant may not impact protein structure and function (internally defined REVEL score threshold <= 0.5, PMID: 27666373). To our knowledge, functional studies have not been reported for this variant. This variant has not been reported in individuals affected with TNNI3-related disorders in the literature. This variant has not been identified in the general population by the Genome Aggregation Database (gnomAD). The available evidence is insufficient to determine the role of this variant in disease conclusively. Therefore, this variant is classified as a Variant of Uncertain Significance.

NM_000363.5(TNNI3):c.56T>G (p.Ile19Ser)

Gene: TNNI3 (troponin I3, cardiac type; minus strand). Cytogenetic location: 19q13.42.
Variant type: single nucleotide variant.
Coding change: c.56T>G on transcript NM_000363.5 (MANE Select); coding-DNA position 56, T replaced by G.
Protein change: p.Ile19Ser; replaces isoleucine 19 with serine.
Molecular consequence: missense variant.
Genome position (GRCh38, 1-based): chr19:55,157,102, A>C on the plus strand (T>G on the coding strand, the complement: TNNI3 is on the minus strand). VCF-style: chr19-55157102-A-C. GRCh37 (hg19) VCF-style: chr19-55668470-A-C.
Other names: short protein forms I19S.
Identifiers: ClinVar variation 3894045 (VCV003894045.1).